The following is an entry in ClinVar:

NM_014844.5(TECPR2):c.2096A>G (p.His699Arg)

Gene: TECPR2 (tectonin beta-propeller repeat containing 2; plus strand). Cytogenetic location: 14q32.31.
Variant type: single nucleotide variant.
Coding change: c.2096A>G on transcript NM_014844.5 (MANE Select); coding-DNA position 2096, A replaced by G.
Protein change: p.His699Arg; replaces histidine 699 with arginine.
Molecular consequence: missense variant.
Genome position (GRCh38, 1-based): chr14:102,434,913, A>G. VCF-style: chr14-102434913-A-G. GRCh37 (hg19) VCF-style: chr14-102901250-A-G.
Other names: c.2096A>G, p.His699Arg (NM_001172631.3); short protein forms H699R.
Identifiers: ClinVar variation 4883023 (VCV004883023.2).
Genomic context (GRCh38, chr14:102,434,913, plus strand): 5'-AAGAGCAGGACATCCTAACCAGCATGGAGGCCTCTGGCCACCTCAGCACAAATCTCTGGC[A>G]TGCTGTCACTGATGATGACACAGGTCAGAAAGAAATACCCATTTCTGAACGTGTCTTGGG-3'
Protein context (NP_055659.2, residues 689-709): ASGHLSTNLW[His699Arg]AVTDDDTGQK

ClinVar aggregate classification (germline): Uncertain significance (1 of 4 stars; one submission).

gnomAD v4.1: 4 of 1,613,870 alleles (0.00025%); highest among the groups gnomAD compares: Admixed American, 0.005%; no homozygotes.

Submission:

Dasa
Classification: Uncertain significance. Last evaluated: 2025-08-02. Review status: criteria provided, single submitter. Criteria: DASA Assertion Criteria. Collection method: clinical testing. Allele origin: germline.
Comment: NM_014844.5(TECPR2):c.2096A>G (p.His699Arg) is a missense variant that results in the substitution of histidine with arginine. This variant has been observed in affected individuals with TECPR2-related disorders. Also, this variant is rare in population databases. Computational prediction algorithms are consistent with a benign effect. The currently available literature and clinical evidence are not sufficient to establish a definitive association between this variant and the reported condition. Therefore, this variant is classified as a variant of uncertain significance.